The following is an entry in ClinVar:

ClinVar aggregate classification (germline): Uncertain significance (1 of 4 stars; one submission).

Conditions:
Hypertrophic cardiomyopathy. Also called: HYPERTROPHIC MYOCARDIOPATHY. Identifiers: Orphanet 217569, MedGen C0007194, MeSH D002312, MONDO:0005045, HP:0001639.

Submission:

Labcorp Genetics (formerly Invitae), Labcorp
Classification: Uncertain significance for Hypertrophic cardiomyopathy. Last evaluated: 2025-07-21. Review status: criteria provided, single submitter. Criteria: Invitae Variant Classification Sherloc (09022015). Collection method: clinical testing. Allele origin: germline.
Comment: This sequence change replaces leucine, which is neutral and non-polar, with methionine, which is neutral and non-polar, at codon 772 of the MYH7 protein (p.Leu772Met). This variant is not present in population databases (gnomAD no frequency). This variant has not been reported in the literature in individuals affected with MYH7-related conditions. Invitae Evidence Modeling of protein sequence and biophysical properties (such as structural, functional, and spatial information, amino acid conservation, physicochemical variation, residue mobility, and thermodynamic stability) indicates that this missense variant is expected to disrupt MYH7 protein function with a positive predictive value of 95%. In summary, the available evidence is currently insufficient to determine the role of this variant in disease. Therefore, it has been classified as a Variant of Uncertain Significance.

NM_000257.4(MYH7):c.2314C>A (p.Leu772Met)

Genes: MYH7 (myosin heavy chain 7; minus strand), LOC126861898 (BRD4-independent group 4 enhancer GRCh37_chr14:23893609-23894808; plus strand). Cytogenetic location: 14q11.2.
Variant type: single nucleotide variant.
Coding change: c.2314C>A on transcript NM_000257.4 (MANE Select); coding-DNA position 2314, C replaced by A.
Protein change: p.Leu772Met; replaces leucine 772 with methionine.
Molecular consequence: missense variant.
Genome position (GRCh38, 1-based): chr14:23,425,391, G>T on the plus strand (C>A on the coding strand, the complement: MYH7 is on the minus strand). VCF-style: chr14-23425391-G-T. GRCh37 (hg19) VCF-style: chr14-23894600-G-T.
Other names: c.2314C>A, p.Leu772Met (NM_001407004.1); short protein forms L772M.
Identifiers: ClinVar variation 4801943 (VCV004801943.1).